The following is an entry in ClinVar:

NM_175747.2(OLIG3):c.588A>G (p.Ser196=)

Gene: OLIG3 (oligodendrocyte transcription factor 3; minus strand). Cytogenetic location: 6q23.3.
Variant type: single nucleotide variant.
Coding change: c.588A>G on transcript NM_175747.2 (MANE Select); coding-DNA position 588, A replaced by G.
Protein change: p.Ser196=; no amino-acid change (serine 196 retained).
Molecular consequence: synonymous variant.
Genome position (GRCh38, 1-based): chr6:137,493,583, T>C on the plus strand (A>G on the coding strand, the complement: OLIG3 is on the minus strand). VCF-style: chr6-137493583-T-C. GRCh37 (hg19) VCF-style: chr6-137814720-T-C.
Identifiers: ClinVar variation 2656933 (VCV002656933.24), dbSNP rs768706576, ClinGen allele CA452438429.

ClinVar aggregate classification (germline): Likely benign (1 of 4 stars; one submission).

Allele frequency attached by ClinVar (database versions not stated): TOPMed 0.00002; gnomAD 0.00004.

Submission:

CeGaT Center for Human Genetics Tuebingen
Classification: Likely benign. Last evaluated: 2022-05-01. Review status: criteria provided, single submitter. Criteria: CeGaT Center For Human Genetics Tuebingen Variant Classification Criteria Version 2. Collection method: clinical testing. Allele origin: germline. Affected: yes. Observed: 1 variant allele.
Comment: OLIG3: BP4, BP7